The following is an entry in ClinVar:

ClinVar aggregate classification (germline): Uncertain significance (1 of 4 stars; one submission).

Submission:

Ambry Genetics
Classification: Uncertain significance. Last evaluated: 2025-12-15. Review status: criteria provided, single submitter. Criteria: Ambry Variant Classification Scheme 2023. Collection method: clinical testing. Allele origin: germline.
Comment: The p.F727Y variant (also known as c.2180T>A), located in coding exon 14 of the RINT1 gene, results from a T to A substitution at nucleotide position 2180. The phenylalanine at codon 727 is replaced by tyrosine, an amino acid with highly similar properties. This amino acid position is conserved. In addition, the in silico prediction for this alteration is inconclusive. Based on the available evidence, the clinical significance of this variant remains unclear.

NM_021930.6(RINT1):c.2180T>A (p.Phe727Tyr)

Genes: EFCAB10 (EF-hand calcium binding domain 10; minus strand), RINT1 (RAD50 interactor 1; plus strand). Cytogenetic location: 7q22.3.
Variant type: single nucleotide variant.
Coding change: c.2180T>A on transcript NM_021930.6 (MANE Select); coding-DNA position 2180, T replaced by A.
Protein change: p.Phe727Tyr; replaces phenylalanine 727 with tyrosine.
Molecular consequence: missense variant. On other transcripts: non-coding transcript variant (1), intron variant (3).
Genome position (GRCh38, 1-based): chr7:105,565,642, T>A. VCF-style: chr7-105565642-T-A. GRCh37 (hg19) VCF-style: chr7-105206089-T-A.
Other names: c.1946T>A, p.Phe649Tyr (NM_001346599.2); c.1157T>A, p.Phe386Tyr (NM_001346600.2, NM_001346603.2); c.1256T>A, p.Phe419Tyr (NM_001346601.2); c.360-195A>T (NM_001355531.2); c.384-195A>T (NM_001355526.2); c.384-27A>T (NM_001355530.2); short protein forms F419Y, F386Y, F649Y, F727Y.
Identifiers: ClinVar variation 4844047 (VCV004844047.1).
Genomic context (GRCh38, chr7:105,565,642, plus strand): 5'-ATATGACTCGGAATCTTTTCCCTTTGTTTTCTCACTATTGCAAGAGACCAGAAAATTATT[T>A]TAAACAGTAAGCTCAACATTTAACAATTAATATTAATGTATCAAATTGTTACAGGAGGCT-3'
Protein context (NP_068749.3, residues 717-737): SHYCKRPENY[Phe727Tyr]KHIKEACIVL